The following is an entry in ClinVar:

NM_014233.4(UBTF):c.1365G>A (p.Lys455=)

Genes: ATXN7L3-AS1 (ATXN7L3 antisense RNA 1; plus strand), UBTF (upstream binding transcription factor; minus strand), LOC121587595 (Sharpr-MPRA regulatory region 7848; plus strand). Cytogenetic location: 17q21.31.
Variant type: single nucleotide variant.
Coding change: c.1365G>A on transcript NM_014233.4 (MANE Select); coding-DNA position 1365, G replaced by A.
Protein change: p.Lys455=; no amino-acid change (lysine 455 retained).
Molecular consequence: synonymous variant. On other transcripts: non-coding transcript variant (1).
Genome position (GRCh38, 1-based): chr17:44,210,468, C>T on the plus strand (G>A on the coding strand, the complement: UBTF is on the minus strand). VCF-style: chr17-44210468-C-T. GRCh37 (hg19) VCF-style: chr17-42287836-C-T.
Other names: c.1254G>A, p.Lys418= (NM_001076683.2, NM_001076684.3).
Identifiers: ClinVar variation 3050205 (VCV003050205.3), dbSNP rs34269581, ClinGen allele CA8599497.

ClinVar aggregate classification (germline): Likely benign. Review status: criteria provided, single submitter (1 of 4 stars). 2 submissions from 2 submitters: Likely benign (1). 1 of the submissions does not count toward it. Last evaluated 2024-07-19.

Conditions:
UBTF-related disorder. Also called: UBTF-related condition.

Allele frequency attached by ClinVar (database versions not stated): gnomAD exomes 0.00023; ExAC 0.00097; 1000 Genomes Project 0.00200; ESP Exome Variant Server 0.00239; 1000 Genomes Project 30x 0.00250; gnomAD 0.00275; TOPMed 0.00313.
gnomAD v4.1: 762 of 1,606,768 alleles (0.047%); highest among the groups gnomAD compares: African/African-American, 0.91%; 4 homozygotes.

Submissions (2):

Blueprint Genetics
Classification: Likely benign. Last evaluated: 2024-07-19. Review status: criteria provided, single submitter. Criteria: ACMG Guidelines, 2015. Collection method: clinical testing. Allele origin: germline.

PreventionGenetics, part of Exact Sciences
Classification: Benign for UBTF-related condition. Last evaluated: 2019-04-11. Review status: no assertion criteria provided. Collection method: clinical testing. Allele origin: germline. Not counted in ClinVar's aggregate classification.
Comment: This variant is classified as benign based on ACMG/AMP sequence variant interpretation guidelines (Richards et al. 2015 PMID: 25741868, with internal and published modifications).